The following is an entry in ClinVar:

ClinVar aggregate classification (germline): Uncertain significance. Review status: criteria provided, multiple submitters, no conflicts (2 of 4 stars). 2 submissions from 2 submitters: Uncertain significance (2). Last evaluated 2025-08-21.

Allele frequency attached by ClinVar (database versions not stated): gnomAD 0.00003; gnomAD exomes 0.00006; ExAC 0.00017; 1000 Genomes Project 30x 0.00031; 1000 Genomes Project 0.00040.
gnomAD v4.1: 102 of 1,613,984 alleles (0.0063%); highest among the groups gnomAD compares: South Asian, 0.1%; no homozygotes.

Submissions (2):

Ambry Genetics
Classification: Uncertain significance. Last evaluated: 2025-08-21. Review status: criteria provided, single submitter. Criteria: Ambry Variant Classification Scheme 2023. Collection method: clinical testing. Allele origin: germline.

Labcorp Genetics (formerly Invitae), Labcorp
Classification: Uncertain significance. Last evaluated: 2025-02-24. Review status: criteria provided, single submitter. Criteria: Invitae Variant Classification Sherloc (09022015). Collection method: clinical testing. Allele origin: germline.
Comment: This sequence change replaces glutamic acid, which is acidic and polar, with lysine, which is basic and polar, at codon 187 of the ZNF687 protein (p.Glu187Lys). This variant is present in population databases (rs587598297, gnomAD 0.1%), and has an allele count higher than expected for a pathogenic variant. This variant has not been reported in the literature in individuals affected with ZNF687-related conditions. ClinVar contains an entry for this variant (Variation ID: 2413628). An algorithm developed to predict the effect of missense changes on protein structure and function (PolyPhen-2) suggests that this variant is likely to be tolerated. In summary, the available evidence is currently insufficient to determine the role of this variant in disease. Therefore, it has been classified as a Variant of Uncertain Significance.

NM_020832.3(ZNF687):c.559G>A (p.Glu187Lys)

Gene: ZNF687 (zinc finger protein 687; plus strand). Cytogenetic location: 1q21.3.
Variant type: single nucleotide variant.
Coding change: c.559G>A on transcript NM_020832.3 (MANE Select); coding-DNA position 559, G replaced by A.
Protein change: p.Glu187Lys; replaces glutamic acid 187 with lysine.
Molecular consequence: missense variant.
Genome position (GRCh38, 1-based): chr1:151,286,850, G>A. VCF-style: chr1-151286850-G-A. GRCh37 (hg19) VCF-style: chr1-151259326-G-A.
Other names: c.559G>A (NM_020832.1); c.559G>A, p.Glu187Lys (NM_001304763.2, NM_001304764.2); short protein forms E187K.
Identifiers: ClinVar variation 2413628 (VCV002413628.10), dbSNP rs587598297, ClinGen allele CA1088175.
Genomic context (GRCh38, chr1:151,286,850, plus strand): 5'-GGCCCTGAGCCAGGGGACCACTCAGATCCGCTGCCTCCCTCTGCACCCTCTCCCACTCGG[G>A]AGGGGGCTCTGACCCCGCCTCCTTTCCCCTCTTCCTTTGAGCTGGCCCAGGAGAATGGCC-3'
Protein context (NP_065883.1, residues 177-197): LPPSAPSPTR[Glu187Lys]GALTPPPFPS